The following is an entry in ClinVar:

NM_032409.3(PINK1):c.616G>A (p.Glu206Lys)

Gene: PINK1 (PTEN induced kinase 1; plus strand). Cytogenetic location: 1p36.12.
Variant type: single nucleotide variant.
Coding change: c.616G>A on transcript NM_032409.3 (MANE Select); coding-DNA position 616, G replaced by A.
Protein change: p.Glu206Lys; replaces glutamic acid 206 with lysine.
Molecular consequence: missense variant.
Genome position (GRCh38, 1-based): chr1:20,638,070, G>A. VCF-style: chr1-20638070-G-A. GRCh37 (hg19) VCF-style: chr1-20964563-G-A.
Other names: short protein forms E206K.
Identifiers: ClinVar variation 2161596 (VCV002161596.4), dbSNP rs770790488, ClinGen allele CA660466.

ClinVar aggregate classification (germline): Uncertain significance (1 of 4 stars; one submission).

Conditions:
Autosomal recessive early-onset Parkinson disease 6 (PARK6). Also called: PINK1-Related Parkinson Disease; PARKINSON DISEASE 6, MODIFIER OF; PINK1 Type of Young-Onset Parkinson Disease; PARKINSON DISEASE 6, EARLY-ONSET. Identifiers: Orphanet 2828, MedGen C1853833, MONDO:0011613, OMIM 605909.

Allele frequency attached by ClinVar (database versions not stated): gnomAD exomes below 0.00001; TOPMed below 0.00001; ExAC 0.00001.

Submission:

Labcorp Genetics (formerly Invitae), Labcorp
Classification: Uncertain significance for Autosomal recessive early-onset Parkinson disease 6. Last evaluated: 2022-10-14. Review status: criteria provided, single submitter. Criteria: Invitae Variant Classification Sherloc (09022015). Collection method: clinical testing. Allele origin: germline.
Comment: Advanced modeling of protein sequence and biophysical properties (such as structural, functional, and spatial information, amino acid conservation, physicochemical variation, residue mobility, and thermodynamic stability) performed at Invitae indicates that this missense variant is not expected to disrupt PINK1 protein function. This sequence change replaces glutamic acid, which is acidic and polar, with lysine, which is basic and polar, at codon 206 of the PINK1 protein (p.Glu206Lys). This variant is present in population databases (rs770790488, gnomAD 0.003%). This variant has not been reported in the literature in individuals affected with PINK1-related conditions. In summary, the available evidence is currently insufficient to determine the role of this variant in disease. Therefore, it has been classified as a Variant of Uncertain Significance.